The following is an entry in ClinVar:

NM_000939.4(POMC):c.26C>T (p.Ser9Leu)

Gene: POMC (proopiomelanocortin; minus strand). Cytogenetic location: 2p23.3.
Variant type: single nucleotide variant.
Coding change: c.26C>T on transcript NM_000939.4 (MANE Select); coding-DNA position 26, C replaced by T.
Protein change: p.Ser9Leu; replaces serine 9 with leucine.
Molecular consequence: missense variant.
Genome position (GRCh38, 1-based): chr2:25,164,747, G>A on the plus strand (C>T on the coding strand, the complement: POMC is on the minus strand). VCF-style: chr2-25164747-G-A. GRCh37 (hg19) VCF-style: chr2-25387616-G-A.
Other names: c.26C>T, p.Ser9Leu (NM_001035256.3, NM_001319204.2, NM_001319205.2); c.26C>T (NM_000939.3); short protein forms S9L.
Identifiers: ClinVar variation 983342 (VCV000983342.4), dbSNP rs139750421, ClinGen allele CA1555420.
Genomic context (GRCh38, chr2:25,164,747, plus strand): 5'-AGGCACCAGCCACGCACTTCCATGGAGGCCTGAAGCAGCAAGGCCAGCAACAGGGCCCCC[G>A]AGCGGCTGCAGCACGATCTCGGCATCTTCCAGGCAGGCTGAGGCTCTGCAGAAGCAAACA-3'
Protein context (NP_000930.1, residues 1-19): MPRSCCSR[Ser9Leu]GALLLALLLQ

ClinVar aggregate classification (germline): Uncertain significance. Review status: criteria provided, single submitter (1 of 4 stars). 2 submissions from 2 submitters: Uncertain significance (1). 1 of the submissions does not count toward it. Last evaluated 2019-05-24.

Conditions:
POMC-related disorder. Also called: POMC-related disorders; POMC-related condition.
Obesity due to pro-opiomelanocortin deficiency. Also called: PROOPIOMELANOCORTIN DEFICIENCY; Obesity, adrenal insufficiency, and red hair due to POMC deficiency; OBESITY, EARLY-ONSET, WITH ADRENAL INSUFFICIENCY AND RED HAIR. Identifiers: Orphanet 71526, MedGen C1857854, MONDO:0012335, OMIM 609734.

Allele frequency attached by ClinVar (database versions not stated): gnomAD exomes 0.00003 and 0.00004; ExAC 0.00005; ESP Exome Variant Server 0.00008; gnomAD 0.00014; 1000 Genomes Project 30x 0.00031; TOPMed 0.00022; 1000 Genomes Project 0.00020.

Submissions (2):

New York Genome Center
Classification: Uncertain significance for Obesity due to pro-opiomelanocortin deficiency. Last evaluated: 2019-05-24. Review status: criteria provided, single submitter. Criteria: NYGC Assertion Criteria 2020. Collection method: clinical testing. Allele origin: germline. Observed: 1 heterozygote. Study: CSER-NYCKidSeq.

PreventionGenetics, part of Exact Sciences
Classification: Uncertain significance for POMC-related condition. Last evaluated: 2024-09-10. Review status: no assertion criteria provided. Collection method: clinical testing. Allele origin: germline. Not counted in ClinVar's aggregate classification.
Comment: The POMC c.26C>T variant is predicted to result in the amino acid substitution p.Ser9Leu. This variant has been reported in one family with obesity segregating in two affected individuals in the heterozygous state (Miraglia del Giudice et al. 2001. PubMed ID: 11244459). This variant was also observed in a cohort of individuals with obesity, and in vitro functional studies showed this variant did not reduce protein function and could cause increased function (Supplemental Data Set 3, Shah et al. 2023. PubMed ID: 36864747). This variant is reported in 0.0054% of alleles in individuals of European (Non-Finnish) descent in gnomAD. At this time, the clinical significance of this variant is uncertain due to the absence of conclusive functional and genetic evidence.